The following is an entry in ClinVar:

NM_194255.4(SLC19A1):c.1367G>A (p.Arg456Gln)

Gene: SLC19A1 (solute carrier family 19 member 1; minus strand). Cytogenetic location: 21q22.3.
Variant type: single nucleotide variant.
Coding change: c.1367G>A on transcript NM_194255.4 (MANE Select); coding-DNA position 1367, G replaced by A.
Protein change: p.Arg456Gln; replaces arginine 456 with glutamine.
Molecular consequence: missense variant. On other transcripts: intron variant (2).
Genome position (GRCh38, 1-based): chr21:45,516,067, C>T on the plus strand (G>A on the coding strand, the complement: SLC19A1 is on the minus strand). VCF-style: chr21-45516067-C-T. GRCh37 (hg19) VCF-style: chr21-46935981-C-T.
Other names: c.1247G>A, p.Arg416Gln (NM_001205207.3); c.1013G>A, p.Arg338Gln (NM_001352510.2); c.1367G>A, p.Arg456Gln (NM_001352512.2); c.1294-915G>A (NM_001352511.3, NM_001205206.4); short protein forms R456Q, R338Q, R416Q.
Identifiers: ClinVar variation 1980513 (VCV001980513.4), dbSNP rs59841046, ClinGen allele CA10068309.

ClinVar aggregate classification (germline): Uncertain significance (1 of 4 stars; one submission).

Allele frequency attached by ClinVar (database versions not stated): 1000 Genomes Project 0.00020; gnomAD 0.00003; gnomAD exomes 0.00003; TOPMed 0.00003; ExAC 0.00004; 1000 Genomes Project 30x 0.00016.
gnomAD v4.1: 46 of 1,593,398 alleles (0.0029%); highest among the groups gnomAD compares: East Asian, 0.05%; no homozygotes.

Submission:

Labcorp Genetics (formerly Invitae), Labcorp
Classification: Uncertain significance. Last evaluated: 2022-08-20. Review status: criteria provided, single submitter. Criteria: Invitae Variant Classification Sherloc (09022015). Collection method: clinical testing. Allele origin: germline.
Comment: This sequence change replaces arginine, which is basic and polar, with glutamine, which is neutral and polar, at codon 456 of the SLC19A1 protein (p.Arg456Gln). This variant is present in population databases (rs59841046, gnomAD 0.08%), and has an allele count higher than expected for a pathogenic variant. This variant has not been reported in the literature in individuals affected with SLC19A1-related conditions. Algorithms developed to predict the effect of missense changes on protein structure and function output the following: SIFT: "Tolerated"; PolyPhen-2: "Benign"; Align-GVGD: "Class C0". The glutamine amino acid residue is found in multiple mammalian species, which suggests that this missense change does not adversely affect protein function. In summary, the available evidence is currently insufficient to determine the role of this variant in disease. Therefore, it has been classified as a Variant of Uncertain Significance.